The following is an entry in ClinVar:

ClinVar aggregate classification (germline): Conflicting classifications of pathogenicity. Review status: criteria provided, conflicting classifications (1 of 4 stars). 3 submissions from 3 submitters: Uncertain significance (2); Likely benign (1). Last evaluated 2024-12-02.

Conditions:
FREM1-related disorder. Also called: FREM1-related condition; FREM1-Related Disorders.
Inborn genetic diseases. Identifiers: MedGen C0950123, MeSH D030342.

Allele frequency attached by ClinVar (database versions not stated): ExAC 0.00001; gnomAD 0.00001; gnomAD exomes 0.00001; TOPMed 0.00005; 1000 Genomes Project 30x 0.00016; 1000 Genomes Project 0.00020.
gnomAD v4.1: 10 of 1,613,108 alleles (0.00062%); highest among the groups gnomAD compares: Admixed American, 0.012%; no homozygotes.

Submissions (3):

PreventionGenetics, part of Exact Sciences
Classification: Uncertain significance for FREM1-related condition. Last evaluated: 2024-12-02. Review status: criteria provided, single submitter. Criteria: ACMG Guidelines, 2015. Collection method: clinical testing. Allele origin: germline.
Comment: The FREM1 c.674C>T variant is predicted to result in the amino acid substitution p.Pro225Leu. To our knowledge, this variant has not been reported in the literature. This variant is reported in 0.012% of alleles in individuals of Latino descent in gnomAD. At this time, the clinical significance of this variant is uncertain due to the absence of conclusive functional and genetic evidence.

Ambry Genetics
Classification: Likely benign for Inborn genetic diseases. Last evaluated: 2024-08-14. Review status: criteria provided, single submitter. Criteria: Ambry Variant Classification Scheme 2023. Collection method: clinical testing. Allele origin: germline.

Labcorp Genetics (formerly Invitae), Labcorp
Classification: Uncertain significance. Last evaluated: 2023-11-06. Review status: criteria provided, single submitter. Criteria: Invitae Variant Classification Sherloc (09022015). Collection method: clinical testing. Allele origin: germline.
Comment: This sequence change replaces proline, which is neutral and non-polar, with leucine, which is neutral and non-polar, at codon 225 of the FREM1 protein (p.Pro225Leu). This variant is present in population databases (rs185836404, gnomAD 0.009%). This variant has not been reported in the literature in individuals affected with FREM1-related conditions. ClinVar contains an entry for this variant (Variation ID: 2192716). Algorithms developed to predict the effect of missense changes on protein structure and function output the following: SIFT: "Not Available"; PolyPhen-2: "Benign"; Align-GVGD: "Not Available". The leucine amino acid residue is found in multiple mammalian species, which suggests that this missense change does not adversely affect protein function. In summary, the available evidence is currently insufficient to determine the role of this variant in disease. Therefore, it has been classified as a Variant of Uncertain Significance.

NM_001379081.2(FREM1):c.674C>T (p.Pro225Leu)

Gene: FREM1 (FRAS1 related extracellular matrix 1; minus strand). Cytogenetic location: 9p22.3.
Variant type: single nucleotide variant.
Coding change: c.674C>T on transcript NM_001379081.2 (MANE Select); coding-DNA position 674, C replaced by T.
Protein change: p.Pro225Leu; replaces proline 225 with leucine.
Molecular consequence: missense variant. On other transcripts: non-coding transcript variant (4).
Genome position (GRCh38, 1-based): chr9:14,857,707, G>A on the plus strand (C>T on the coding strand, the complement: FREM1 is on the minus strand). VCF-style: chr9-14857707-G-A. GRCh37 (hg19) VCF-style: chr9-14857705-G-A.
Other names: c.674C>T (NM_144966.5); c.701C>T, p.Pro234Leu (NM_001370060.1); c.674C>T, p.Pro225Leu (NM_001370063.1, NM_001370065.1, NM_144966.7); short protein forms P234L, P225L.
Identifiers: ClinVar variation 2192716 (VCV002192716.6), dbSNP rs185836404, ClinGen allele CA4991493.